The following is an entry in ClinVar:

ClinVar aggregate classification (germline): Pathogenic. Review status: criteria provided, multiple submitters, no conflicts (2 of 4 stars). 8 submissions from 8 submitters: Pathogenic (7). 1 of the submissions does not count toward it. Last evaluated 2026-05-13.

Conditions:
CYP27A1-related disorder. Also called: CYP27A1-related condition.
Cholestanol storage disease (CTX). Also called: CTX: Cerebrotendinous xanthomatosis; Cerebrotendinous Xanthomatosis; CEREBRAL CHOLESTERINOSIS. Identifiers: Orphanet 909, MedGen C0238052, MONDO:0008948, OMIM 213700.

Allele frequency attached by ClinVar (database versions not stated): gnomAD exomes below 0.00001; gnomAD 0.00001; TOPMed 0.00002.

Submissions (8):

PreventionGenetics, part of Exact Sciences
Classification: Pathogenic for CYP27A1-related condition. Last evaluated: 2026-05-13. Review status: criteria provided, single submitter. Criteria: ACMG Guidelines, 2015. Collection method: clinical testing. Allele origin: germline.
Comment: The CYP27A1 c.256-1G>T variant is predicted to disrupt the AG splice acceptor site and interfere with normal splicing. This variant was reported along with a known pathogenic CYP27A1 missense variant (c.1183C>T, p.Arg395Cys) in an individual with cerebrotendinous xanthomatosis (Smalley et al. 2015. PubMed ID: 25983621). RNA studies have shown that the c.256-1G>T variant results in skipping of exon 2 (Smalley et al. 2015. PubMed ID: 25983621). This variant has not been reported in a large population database (gnomAD), indicating it is rare. Variants that disrupt the consensus splice acceptor site in CYP27A1 are expected to be pathogenic. Taken together, this variant is interpreted as pathogenic.

Labcorp Genetics (formerly Invitae), Labcorp
Classification: Pathogenic for Cholestanol storage disease. Last evaluated: 2025-10-23. Review status: criteria provided, single submitter. Criteria: Invitae Variant Classification Sherloc (09022015). Collection method: clinical testing. Allele origin: germline.
Comment: This sequence change affects an acceptor splice site in intron 1 of the CYP27A1 gene. It is expected to disrupt RNA splicing. Variants that disrupt the donor or acceptor splice site typically lead to a loss of protein function (PMID: 16199547), and loss-of-function variants in CYP27A1 are known to be pathogenic (PMID: 9392430, 10775536, 26937392). This variant is not present in population databases (gnomAD no frequency). Disruption of this splice site has been observed in individual(s) with cerebrotendinous xanthomatosis (PMID: 25983621). ClinVar contains an entry for this variant (Variation ID: 553433). Algorithms developed to predict the effect of sequence changes on RNA splicing suggest that this variant may disrupt the consensus splice site. For these reasons, this variant has been classified as Pathogenic.

Dasa
Classification: Pathogenic. Last evaluated: 2025-03-03. Review status: criteria provided, single submitter. Criteria: DASA Assertion Criteria. Collection method: clinical testing. Allele origin: germline.
Comment: NM_000784.4(CYP27A1):c.256-1G>T affects a canonical splice site and is predicted to disrupt normal RNA splicing, leading to loss of normal protein function. Loss-of-function is an established mechanism of disease for this gene. This variant has been reported in individuals with related phenotype (PMID: 25983621). The variant is present at low frequency in population datasets. Based on the available data, this variant is classified as pathogenic.

Natera, Inc.
Classification: Pathogenic for Cerebrotendinous xanthomatosis. Last evaluated: 2025-02-05. Review status: criteria provided, single submitter. Criteria: Natera Variant Classification Schema (03/2026). Collection method: clinical testing. Allele origin: germline.
Comment: The c.256-1G>T variant in CYP27A1 is a canonical splice acceptor site variant predicted to affect pre-mRNA splicing, which may result in an abnormal transcript and altered protein product. This variant is expected to result in nonsense mediated decay, truncation, or a dysfunctional protein product. This variant is rare in the general population with a frequency below the threshold expected for the associated phenotype(s). This variant has been observed in one or more individuals affected with the associated recessive disease, as either homozygous or compound heterozygous with a second variant (PMID: 25983621). Functional studies show that this variant may disrupt protein function (PMID: 25983621). Given the available evidence, this variant is classified as Pathogenic.

Baylor Genetics
Classification: Pathogenic for Cholestanol storage disease. Last evaluated: 2023-01-28. Review status: criteria provided, single submitter. Criteria: ACMG Guidelines, 2015. Collection method: clinical testing. Allele origin: unknown.

Eurofins Ntd Llc (ga)
Classification: Pathogenic. Last evaluated: 2017-08-29. Review status: criteria provided, single submitter. Criteria: EGL Classification Definitions 2015. Collection method: clinical testing. Allele origin: germline. Observed: 1 variant allele, 1 heterozygote.

Unidad de Genómica Médica UC, Pontificia Universidad Católica de Chile
Classification: Pathogenic for Cholestanol storage disease. Last evaluated: 2014-04-07. Review status: criteria provided, single submitter. Criteria: Smalley et al. (Genet Mol Biol. 2015). Collection method: research. Allele origin: germline. Inheritance: Autosomal recessive inheritance. Affected: yes. Observed: 1 compound heterozygote.

Counsyl
Classification: Likely pathogenic for Cholestanol storage disease. Last evaluated: 2017-08-18. Review status: no assertion criteria provided. Collection method: clinical testing. Allele origin: unknown. Not counted in ClinVar's aggregate classification.

Literature cited by the submitters: PubMed 16199547 (cited by Labcorp Genetics (formerly Invitae), Labcorp); PubMed 9392430 (cited by Labcorp Genetics (formerly Invitae), Labcorp); PubMed 10775536 (cited by Labcorp Genetics (formerly Invitae), Labcorp); PubMed 26937392 (cited by Labcorp Genetics (formerly Invitae), Labcorp); PubMed 25983621 (cited by 4 submitters).

NM_000784.4(CYP27A1):c.256-1G>T

Gene: CYP27A1 (cytochrome P450 family 27 subfamily A member 1; plus strand). Cytogenetic location: 2q35.
Variant type: single nucleotide variant.
Coding change: c.256-1G>T on transcript NM_000784.4 (MANE Select); the canonical splice acceptor site of the intron before coding-DNA position 256, G replaced by T.
Molecular consequence: splice acceptor variant.
Genome position (GRCh38, 1-based): chr2:218,809,576, G>T. VCF-style: chr2-218809576-G-T. GRCh37 (hg19) VCF-style: chr2-219674299-G-T.
Identifiers: ClinVar variation 553433 (VCV000553433.20), dbSNP rs886556800, ClinGen allele CA65830321.